The following is an entry in ClinVar:

NM_001165963.4(SCN1A):c.4616C>A (p.Thr1539Asn)

Genes: SCN1A (sodium voltage-gated channel alpha subunit 1; minus strand), LOC102724058 (uncharacterized LOC102724058; plus strand). Cytogenetic location: 2q24.3.
Variant type: single nucleotide variant.
Coding change: c.4616C>A on transcript NM_001165963.4 (MANE Select); coding-DNA position 4616, C replaced by A.
Protein change: p.Thr1539Asn; replaces threonine 1539 with asparagine.
Molecular consequence: missense variant. On other transcripts: non-coding transcript variant (1).
Genome position (GRCh38, 1-based): chr2:165,994,382, G>T on the plus strand (C>A on the coding strand, the complement: SCN1A is on the minus strand). VCF-style: chr2-165994382-G-T. GRCh37 (hg19) VCF-style: chr2-166850892-G-T.
Other names: c.4532C>A, p.Thr1511Asn (NM_001165964.3, NM_001353957.2, NM_001353958.2); c.4616C>A, p.Thr1539Asn (NM_001202435.3, NM_001353948.2); c.4583C>A, p.Thr1528Asn (NM_001353949.2, NM_001353950.2, NM_001353951.2 and 2 more transcripts); c.4580C>A, p.Thr1527Asn (NM_001353954.2, NM_001353955.2); c.4529C>A, p.Thr1510Asn (NM_001353960.2); c.2174C>A, p.Thr725Asn (NM_001353961.2); short protein forms T1510N, T1511N, T1527N, T1528N, T1539N, T725N.
Identifiers: ClinVar variation 3766388 (VCV003766388.1).

ClinVar aggregate classification (germline): Uncertain significance (1 of 4 stars; one submission).

Submission:

GeneDx
Classification: Uncertain significance. Last evaluated: 2024-08-29. Review status: criteria provided, single submitter. Criteria: GeneDx Variant Classification Process June 2021. Collection method: clinical testing. Allele origin: germline. Affected: yes.
Comment: Not observed at significant frequency in large population cohorts (gnomAD); In silico analysis supports that this missense variant has a deleterious effect on protein structure/function; Has not been previously published as pathogenic or benign to our knowledge; This substitution is predicted to be within the cytoplasmic loop between the third and fourth homologous domains